The following is an entry in ClinVar:

NM_017777.4(MKS1):c.1045C>T (p.Gln349Ter)

Gene: MKS1 (MKS transition zone complex subunit 1; minus strand). Cytogenetic location: 17q22.
Variant type: single nucleotide variant.
Coding change: c.1045C>T on transcript NM_017777.4 (MANE Select); coding-DNA position 1045, C replaced by T.
Protein change: p.Gln349Ter; replaces glutamine 349 with a stop codon.
Molecular consequence: nonsense.
Genome position (GRCh38, 1-based): chr17:58,208,563, G>A on the plus strand (C>T on the coding strand, the complement: MKS1 is on the minus strand). VCF-style: chr17-58208563-G-A. GRCh37 (hg19) VCF-style: chr17-56285924-G-A.
Other names: c.436C>T, p.Gln146Ter (NM_001321268.2); c.1045C>T, p.Gln349Ter (NM_001321269.2, NM_001330397.2, NM_001411113.1); short protein forms Q349*, Q146*.
Identifiers: ClinVar variation 2009651 (VCV002009651.5), dbSNP rs1968675432, ClinGen allele CA400325879.

ClinVar aggregate classification (germline): Pathogenic/Likely pathogenic. Review status: criteria provided, multiple submitters, no conflicts (2 of 4 stars). 2 submissions from 2 submitters: Pathogenic (1); Likely pathogenic (1). Last evaluated 2024-04-06.

Conditions:
Joubert syndrome. Also called: CEREBELLOPARENCHYMAL DISORDER IV; JOUBERT-BOLTSHAUSER SYNDROME; Familial aplasia of the vermis. Identifiers: Orphanet 475, MedGen C5979921, MONDO:0018772.
Meckel-Gruber syndrome. Also called: DYSENCEPHALIA SPLANCHNOCYSTICA; GRUBER SYNDROME; Dysencephalia splachnocystica. Identifiers: Orphanet 564, MedGen C0265215, MONDO:0018921.
Bardet-Biedl syndrome 13 (BBS13). Identifiers: Orphanet 110, MedGen C2673873, MONDO:0014441, OMIM 615990.

Allele frequency attached by ClinVar (database versions not stated): gnomAD exomes below 0.00001; TOPMed below 0.00001; gnomAD 0.00001.

Submissions (2):

Labcorp Genetics (formerly Invitae), Labcorp
Classification: Pathogenic for Joubert syndrome; Meckel-Gruber syndrome. Last evaluated: 2024-04-06. Review status: criteria provided, single submitter. Criteria: Invitae Variant Classification Sherloc (09022015). Collection method: clinical testing. Allele origin: germline.
Comment: This sequence change creates a premature translational stop signal (p.Gln349*) in the MKS1 gene. It is expected to result in an absent or disrupted protein product. Loss-of-function variants in MKS1 are known to be pathogenic (PMID: 19466712, 24886560, 26490104). This variant is not present in population databases (gnomAD no frequency). This variant has not been reported in the literature in individuals affected with MKS1-related conditions. ClinVar contains an entry for this variant (Variation ID: 2009651). Algorithms developed to predict the effect of sequence changes on RNA splicing suggest that this variant may disrupt the consensus splice site. For these reasons, this variant has been classified as Pathogenic.

Baylor Genetics
Classification: Likely pathogenic for Bardet-Biedl syndrome 13. Last evaluated: 2022-12-14. Review status: criteria provided, single submitter. Criteria: ACMG Guidelines, 2015. Collection method: clinical testing. Allele origin: unknown.

Literature cited by the submitters: PubMed 19466712 (cited by Labcorp Genetics (formerly Invitae), Labcorp); PubMed 24886560 (cited by Labcorp Genetics (formerly Invitae), Labcorp); PubMed 26490104 (cited by Labcorp Genetics (formerly Invitae), Labcorp).